The following is an entry in ClinVar:

ClinVar aggregate classification (germline): Benign/Likely benign. Review status: criteria provided, multiple submitters, no conflicts (2 of 4 stars). 2 submissions from 2 submitters: Benign (1); Likely benign (1). Last evaluated 2025-03-10.

Conditions:
Multiple cutaneous and mucosal venous malformations (VMCM). Also called: TEK-Related Multiple Cutaneous and Mucosal Venous Malformations (VMCM). Identifiers: Orphanet 2451, MedGen C1838437, MONDO:0010842, OMIM 600195.

Allele frequency attached by ClinVar (database versions not stated): TOPMed 0.00002; gnomAD exomes 0.00026 and 0.00012; gnomAD 0.00001 and 0.00007; ExAC 0.00031; 1000 Genomes Project 0.00060; 1000 Genomes Project 30x 0.00062.

Submissions (2):

Mayo Clinic Laboratories, Mayo Clinic
Classification: Likely benign. Last evaluated: 2025-03-10. Review status: criteria provided, single submitter. Criteria: ACMG Guidelines, 2015. Collection method: clinical testing. Allele origin: germline. Observed: 1 variant allele.
Comment: BS1, BP4_moderate

Illumina Laboratory Services, Illumina
Classification: Benign for Multiple cutaneous and mucosal venous malformations. Last evaluated: 2018-03-06. Review status: criteria provided, single submitter. Criteria: ICSL Variant Classification Criteria 13 December 2019. Collection method: clinical testing. Allele origin: germline.
Comment: This variant was observed in the ICSL laboratory as part of a predisposition screen in an ostensibly healthy population. It had not been previously curated by ICSL or reported in the Human Gene Mutation Database (HGMD: prior to June 1st, 2018), and was therefore a candidate for classification through an automated scoring system. Utilizing variant allele frequency, disease prevalence and penetrance estimates, and inheritance mode, an automated score was calculated to assess if this variant is too frequent to cause the disease. Based on the score and internal cut-off values, a variant classified as benign is not then subjected to further curation. The score for this variant resulted in a classification of benign for this disease.

Literature cited by the submitters: PubMed 28620713 (cited by Mayo Clinic Laboratories, Mayo Clinic).

NM_000459.5(TEK):c.1199A>G (p.His400Arg)

Gene: TEK (TEK receptor tyrosine kinase; plus strand). Cytogenetic location: 9p21.2.
Variant type: single nucleotide variant.
Coding change: c.1199A>G on transcript NM_000459.5 (MANE Select); coding-DNA position 1199, A replaced by G.
Protein change: p.His400Arg; replaces histidine 400 with arginine.
Molecular consequence: missense variant.
Genome position (GRCh38, 1-based): chr9:27,185,501, A>G. VCF-style: chr9-27185501-A-G. GRCh37 (hg19) VCF-style: chr9-27185499-A-G.
Other names: p.His400Arg; c.1070A>G, p.His357Arg (NM_001290077.2, NM_001375476.1); c.758A>G, p.His253Arg (NM_001290078.2); c.1199A>G, p.His400Arg (NM_001375475.1); c.1199A>G (NM_000459.4); short protein forms H253R, H400R, H357R.
Identifiers: ClinVar variation 914241 (VCV000914241.5), dbSNP rs573051752, ClinGen allele CA5016164.